The following is an entry in ClinVar:

NM_000256.3(MYBPC3):c.292+5G>A

Gene: MYBPC3 (myosin binding protein C3; minus strand). Cytogenetic location: 11p11.2.
Variant type: single nucleotide variant.
Coding change: c.292+5G>A on transcript NM_000256.3 (MANE Select); 5 bases into the intron after coding-DNA position 292, G replaced by A.
Molecular consequence: intron variant.
Genome position (GRCh38, 1-based): chr11:47,351,234, C>T on the plus strand (G>A on the coding strand, the complement: MYBPC3 is on the minus strand). VCF-style: chr11-47351234-C-T. GRCh37 (hg19) VCF-style: chr11-47372785-C-T.
Identifiers: ClinVar variation 4756378 (VCV004756378.1).

ClinVar aggregate classification (germline): Uncertain significance (1 of 4 stars; one submission).

Conditions:
Cardiomyopathy (CMYO). Also called: Cardiomyopathies. Identifiers: Orphanet 167848, MedGen C0878544, MONDO:0004994, HP:0001638. Inheritance: Various modes of inheritance.

Submission:

Color Diagnostics, LLC DBA Color Health
Classification: Uncertain significance for Cardiomyopathy. Last evaluated: 2025-09-13. Review status: criteria provided, single submitter. Criteria: ACMG Guidelines, 2015. Collection method: clinical testing. Allele origin: germline.
Comment: This variant causes a G to A nucleotide substitution at the +5 position of intron 2 of the MYBPC3 gene. To our knowledge, functional studies have not been reported for this variant. This variant has not been reported in individuals affected with MYBPC3-related disorders in the literature. This variant has not been identified in the general population by the Genome Aggregation Database (gnomAD). The available evidence is insufficient to determine the role of this variant in disease conclusively. Therefore, this variant is classified as a Variant of Uncertain Significance.